The following is an entry in ClinVar:

ClinVar aggregate classification (germline): Uncertain significance (1 of 4 stars; one submission).

Allele frequency attached by ClinVar (database versions not stated): gnomAD 0.00001.
gnomAD v4.1: 1 of 1,614,118 alleles (0.000062%); highest among the groups gnomAD compares: Non-Finnish European, 0.000085%; no homozygotes.

Submission:

Labcorp Genetics (formerly Invitae), Labcorp
Classification: Uncertain significance. Last evaluated: 2024-02-24. Review status: criteria provided, single submitter. Criteria: Invitae Variant Classification Sherloc (09022015). Collection method: clinical testing. Allele origin: germline.
Comment: This sequence change replaces isoleucine, which is neutral and non-polar, with leucine, which is neutral and non-polar, at codon 1517 of the OTOF protein (p.Ile1517Leu). This variant is not present in population databases (gnomAD no frequency). This variant has not been reported in the literature in individuals affected with OTOF-related conditions. ClinVar contains an entry for this variant (Variation ID: 1406455). Advanced modeling of protein sequence and biophysical properties (such as structural, functional, and spatial information, amino acid conservation, physicochemical variation, residue mobility, and thermodynamic stability) performed at Invitae indicates that this missense variant is not expected to disrupt OTOF protein function with a negative predictive value of 95%. In summary, the available evidence is currently insufficient to determine the role of this variant in disease. Therefore, it has been classified as a Variant of Uncertain Significance.

NM_194248.3(OTOF):c.4549A>C (p.Ile1517Leu)

Gene: OTOF (otoferlin; minus strand). Cytogenetic location: 2p23.3.
Variant type: single nucleotide variant.
Coding change: c.4549A>C on transcript NM_194248.3 (MANE Select); coding-DNA position 4549, A replaced by C.
Protein change: p.Ile1517Leu; replaces isoleucine 1517 with leucine.
Molecular consequence: missense variant.
Genome position (GRCh38, 1-based): chr2:26,466,028, T>G on the plus strand (A>C on the coding strand, the complement: OTOF is on the minus strand). VCF-style: chr2-26466028-T-G. GRCh37 (hg19) VCF-style: chr2-26688896-T-G.
Other names: c.4549A>C, p.Ile1517Leu (NM_001287489.2); c.2248A>C, p.Ile750Leu (NM_004802.4, NM_194323.3); c.2479A>C, p.Ile827Leu (NM_194322.3); short protein forms I1517L, I827L, I750L.
Identifiers: ClinVar variation 1406455 (VCV001406455.7), dbSNP rs142333327, ClinGen allele CA346136065.